The following is an entry in ClinVar:

NM_000038.6(APC):c.543_546del (p.Thr182fs)

Gene: APC (APC regulator of Wnt signaling pathway; plus strand). Cytogenetic location: 5q22.2.
Variant type: Deletion.
Coding change: c.543_546del on transcript NM_000038.6 (MANE Select); coding-DNA positions 543 to 546, 4 bases deleted (AACA; older notation c.543_546delAACA).
Protein change: p.Thr182fs; shifts the reading frame from threonine 182.
Molecular consequence: frameshift variant. On other transcripts: 5 prime UTR variant (1).
Genome position (GRCh38, 1-based): chr5:112,780,801-112,780,804, AACA deleted; deleting any 4 consecutive bases within chr5:112,780,798-112,780,804 gives the same sequence; the c. name uses the placement nearest the transcript's 3' end. VCF-style (leftmost placement, unchanged base first): chr5-112780797-TACAA-T. GRCh37 (hg19) VCF-style: chr5-112116494-TACAA-T.
Other names: c.543_546del, p.Thr182fs (NM_001127510.3, NM_001354895.2, NM_001354896.2 and 2 more transcripts); c.573_576del, p.Thr192fs (NM_001127511.3, NM_001354897.2, NM_001354902.2); c.468_471del, p.Thr157fs (NM_001354898.2, NM_001354904.2); c.366_369del, p.Thr123fs (NM_001354900.2, NM_001354901.2, NM_001354905.2); c.-493_-490del (NM_001354906.2); c.543_546del (NM_000038.5); short protein forms T182fs, T192fs, T123fs, T157fs.
Identifiers: ClinVar variation 470005 (VCV000470005.14), dbSNP rs1554072562, ClinGen allele CA645546029.

ClinVar aggregate classification (germline): Pathogenic. Review status: criteria provided, multiple submitters, no conflicts (2 of 4 stars). 3 submissions from 3 submitters: Pathogenic (3). Last evaluated 2026-06-08.

Conditions:
Hereditary cancer-predisposing syndrome. Also called: Tumor predisposition; Hereditary neoplastic syndrome; Neoplastic Syndromes, Hereditary; Hereditary Cancer Syndrome. Identifiers: Orphanet 140162, MedGen C0027672, MeSH D009386, MONDO:0015356.
Familial adenomatous polyposis 1 (FAP1). Also called: POLYPOSIS, ADENOMATOUS INTESTINAL; FAMILIAL ADENOMATOUS POLYPOSIS 1, ATTENUATED. Identifiers: MedGen C2713442, MONDO:0021056, OMIM 175100. Disease mechanism: loss of function.

Submissions (3):

Ambry Genetics
Classification: Pathogenic for Hereditary cancer-predisposing syndrome. Last evaluated: 2026-06-08. Review status: criteria provided, single submitter. Criteria: Ambry Variant Classification Scheme 2023. Collection method: clinical testing. Allele origin: germline.
Comment: The c.543_546delAACA pathogenic mutation, located in coding exon 5 of the APC gene, results from a deletion of 4 nucleotides at nucleotide positions 543 to 546, causing a translational frameshift with a predicted alternate stop codon (p.T182Ifs*2). This variant was reported in individual(s) with features consistent with APC-related familial adenomatous polyposis (Nagase H et al. Hum Mutat, 1992;1:467-73; Enomoto M et al. Jpn J Clin Oncol, 2000 Feb;30:82-8). This variant is considered to be rare based on population cohorts in the Genome Aggregation Database (gnomAD). This variant is expected to result in loss of function by premature protein truncation or nonsense-mediated mRNA decay. As such, this variant is interpreted as a disease-causing mutation.

Myriad Genetics, Inc.
Classification: Pathogenic for Familial adenomatous polyposis 1. Last evaluated: 2024-08-06. Review status: criteria provided, single submitter. Criteria: Myriad Autosomal Dominant, Autosomal Recessive and X-Linked Classification Criteria (2023). Collection method: clinical testing. Allele origin: unknown.
Comment: This variant is considered pathogenic. This variant creates a frameshift predicted to result in premature protein truncation.

Labcorp Genetics (formerly Invitae), Labcorp
Classification: Pathogenic for Familial adenomatous polyposis 1. Last evaluated: 2021-07-08. Review status: criteria provided, single submitter. Criteria: Invitae Variant Classification Sherloc (09022015). Collection method: clinical testing. Allele origin: germline.
Comment: ClinVar contains an entry for this variant (Variation ID: 470005). This sequence change creates a premature translational stop signal (p.Thr182Ilefs*2) in the APC gene. It is expected to result in an absent or disrupted protein product. Loss-of-function variants in APC are known to be pathogenic (PMID: 17963004, 20685668). This variant is not present in population databases (ExAC no frequency). This premature translational stop signal has been observed in individual(s) with familial adenomatous polyposis (PMID: 1338764, 19444466). For these reasons, this variant has been classified as Pathogenic.

Literature cited by the submitters: PubMed 10768871 (cited by Ambry Genetics); PubMed 1338764 (cited by Ambry Genetics and Labcorp Genetics (formerly Invitae), Labcorp); PubMed 17963004 (cited by Labcorp Genetics (formerly Invitae), Labcorp); PubMed 20685668 (cited by Labcorp Genetics (formerly Invitae), Labcorp); PubMed 19444466 (cited by Labcorp Genetics (formerly Invitae), Labcorp).